The following is an entry in ClinVar:

NM_001035.3(RYR2):c.8773T>G (p.Phe2925Val)

Gene: RYR2 (ryanodine receptor 2; plus strand). Cytogenetic location: 1q43.
Variant type: single nucleotide variant.
Coding change: c.8773T>G on transcript NM_001035.3 (MANE Select); coding-DNA position 8773, T replaced by G.
Protein change: p.Phe2925Val; replaces phenylalanine 2925 with valine.
Molecular consequence: missense variant.
Genome position (GRCh38, 1-based): chr1:237,674,789, T>G. VCF-style: chr1-237674789-T-G. GRCh37 (hg19) VCF-style: chr1-237838089-T-G.
Other names: short protein forms F2925V.
Identifiers: ClinVar variation 1171640 (VCV001171640.3), dbSNP rs2148911735, ClinGen allele CA345403317.

ClinVar aggregate classification (germline): Uncertain significance (1 of 4 stars; one submission).

Conditions:
Cardiomyopathy (CMYO). Also called: Cardiomyopathies. Identifiers: Orphanet 167848, MedGen C0878544, MONDO:0004994, HP:0001638. Inheritance: Various modes of inheritance.

Submission:

Color Diagnostics, LLC DBA Color Health
Classification: Uncertain significance for Cardiomyopathy. Last evaluated: 2024-03-06. Review status: criteria provided, single submitter. Criteria: ACMG Guidelines, 2015. Collection method: clinical testing. Allele origin: germline.
Comment: This missense variant replaces phenylalanine with valine at codon 2925 of the RYR2 protein. Computational prediction is inconclusive regarding the impact of this variant on protein structure and function (internally defined REVEL score threshold 0.5 < inconclusive < 0.7, PMID: 27666373). To our knowledge, functional studies have not been reported for this variant. This variant has not been reported in individuals affected with cardiovascular disorders in the literature. This variant has not been identified in the general population by the Genome Aggregation Database (gnomAD). The available evidence is insufficient to determine the role of this variant in disease conclusively. Therefore, this variant is classified as a Variant of Uncertain Significance.